The following is an entry in ClinVar:

NM_017946.4(FKBP14):c.36G>C (p.Leu12=)

Genes: FKBP14-AS1 (FKBP14 antisense RNA 1; plus strand), FKBP14 (FKBP prolyl isomerase 14; minus strand). Cytogenetic location: 7p14.3.
Variant type: single nucleotide variant.
Coding change: c.36G>C on transcript NM_017946.4 (MANE Select); coding-DNA position 36, G replaced by C.
Protein change: p.Leu12=; no amino-acid change (leucine 12 retained).
Molecular consequence: synonymous variant. On other transcripts: non-coding transcript variant (2).
Genome position (GRCh38, 1-based): chr7:30,026,473, C>G on the plus strand (G>C on the coding strand, the complement: FKBP14 is on the minus strand). VCF-style: chr7-30026473-C-G. GRCh37 (hg19) VCF-style: chr7-30066089-C-G.
Other names: p.Leu12=; c.36G>C (NM_017946.2).
Identifiers: ClinVar variation 2061990 (VCV002061990.6), dbSNP rs1279866598, ClinGen allele CA454238593.

ClinVar aggregate classification (germline): Likely benign. Review status: criteria provided, multiple submitters, no conflicts (2 of 4 stars). 3 submissions from 3 submitters: Likely benign (3). Last evaluated 2025-10-17.

Conditions:
Ehlers-Danlos syndrome, kyphoscoliotic type, 2. Also called: Ehlers-Danlos syndrome, kyphoscoliotic and deafness type; FKBP14-Kyphoscoliotic Ehlers-Danlos Syndrome; Ehlers-Danlos syndrome with progressive kyphoscoliosis, myopathy, and hearing loss. Identifiers: Orphanet 300179, MedGen C3281160, MONDO:0013800, OMIM 614557.
Cardiovascular phenotype. Identifiers: MedGen CN230736.

Allele frequency attached by ClinVar (database versions not stated): TOPMed below 0.00001.
gnomAD v4.1: 6 of 1,613,874 alleles (0.00037%); highest among the groups gnomAD compares: East Asian, 0.0022%; no homozygotes.

Submissions (3):

Mayo Clinic Laboratories, Mayo Clinic
Classification: Likely benign. Last evaluated: 2025-10-17. Review status: criteria provided, single submitter. Criteria: ACMG Guidelines, 2015. Collection method: clinical testing. Allele origin: germline. Observed: 1 variant allele.
Comment: BP4, BP7

Labcorp Genetics (formerly Invitae), Labcorp
Classification: Likely benign for Ehlers-Danlos syndrome, kyphoscoliotic type, 2. Last evaluated: 2025-10-02. Review status: criteria provided, single submitter. Criteria: Invitae Variant Classification Sherloc (09022015). Collection method: clinical testing. Allele origin: germline.

Ambry Genetics
Classification: Likely benign for Cardiovascular phenotype. Last evaluated: 2024-09-08. Review status: criteria provided, single submitter. Criteria: Ambry Variant Classification Scheme 2023. Collection method: clinical testing. Allele origin: germline.